The following is an entry in ClinVar:

NM_000061.3(BTK):c.840-1G>A

Gene: BTK (Bruton tyrosine kinase; minus strand). Cytogenetic location: Xq22.1.
Variant type: single nucleotide variant.
Coding change: c.840-1G>A on transcript NM_000061.3 (MANE Select); the canonical splice acceptor site of the intron before coding-DNA position 840, G replaced by A.
Molecular consequence: splice acceptor variant.
Genome position (GRCh38, 1-based): chrX:101,359,348, C>T on the plus strand (G>A on the coding strand, the complement: BTK is on the minus strand). VCF-style: chrX-101359348-C-T. GRCh37 (hg19) VCF-style: chrX-100614336-C-T.
Other names: c.942-1G>A (NM_001287344.2); c.840-1G>A (NM_001287345.2).
Identifiers: ClinVar variation 35764 (VCV000035764.8), dbSNP rs193922131, ClinGen allele CA260197.
Genomic context (GRCh38, chrX:101,359,348, plus strand): 5'-CTTACCTCTTGCTTTAGCAGTTGCTCAGCCTGACTCCGAGTCATGTGTTTGGAATACCAC[C>T]TGTGAAGGGAGAGTGCTGCTTGAGTGGCTCCTGGTCATAAGCAGATTGGAGGTTACAGCA-3'

ClinVar aggregate classification (germline): Likely pathogenic. Review status: criteria provided, multiple submitters, no conflicts (2 of 4 stars). 2 submissions from 2 submitters: Likely pathogenic (2). Last evaluated 2022-12-13.

Conditions:
X-linked agammaglobulinemia (XLA). Also called: Agammaglobulinemia, Bruton tyrosine kinase; Agammaglobulinemia, BTK; BTK-deficiency; Bruton's agammaglobulinemia; IMMUNODEFICIENCY 1; Bruton-type agammaglobulinemia. Identifiers: Orphanet 229717, Orphanet 47, MedGen C0221026, MONDO:0010421, OMIM 300755.
X-linked agammaglobulinemia with growth hormone deficiency (IGHD3). Also called: HYPOGAMMAGLOBULINEMIA AND ISOLATED GROWTH HORMONE DEFICIENCY, X-LINKED; IGHD III; ISOLATED GROWTH HORMONE DEFICIENCY, TYPE III, WITH AGAMMAGLOBULINEMIA; Isolated growth hormone deficiency type 3; Growth hormone deficiency with hypogammaglobulinemia; AGAMMAGLOBULINEMIA AND ISOLATED GROWTH HORMONE DEFICIENCY, X-LINKED. Identifiers: Orphanet 231692, Orphanet 631, MedGen C0472813, MONDO:0010615, OMIM 307200.

Submissions (2):

Labcorp Genetics (formerly Invitae), Labcorp
Classification: Likely pathogenic for X-linked agammaglobulinemia with growth hormone deficiency. Last evaluated: 2022-12-13. Review status: criteria provided, single submitter. Criteria: Invitae Variant Classification Sherloc (09022015). Collection method: clinical testing. Allele origin: germline.
Comment: In summary, the currently available evidence indicates that the variant is pathogenic, but additional data are needed to prove that conclusively. Therefore, this variant has been classified as Likely Pathogenic. Algorithms developed to predict the effect of sequence changes on RNA splicing suggest that this variant may disrupt the consensus splice site. ClinVar contains an entry for this variant (Variation ID: 35764). This variant has not been reported in the literature in individuals affected with BTK-related conditions. This variant is not present in population databases (gnomAD no frequency). This sequence change affects an acceptor splice site in intron 9 of the BTK gene. It is expected to disrupt RNA splicing. Variants that disrupt the donor or acceptor splice site typically lead to a loss of protein function (PMID: 16199547), and loss-of-function variants in BTK are known to be pathogenic (PMID: 15661032, 16862044, 19419768).

Women's Health and Genetics/Laboratory Corporation of America, LabCorp
Classification: Likely pathogenic for X-linked Agammaglobulinemia. Last evaluated: 2011-08-18. Review status: criteria provided, single submitter. Criteria: LabCorp Variant Classification Summary - May 2015. Collection method: curation, clinical testing. Allele origin: germline. Inheritance: Xlinked unknown. Affected: yes.
ClinVar note: Converted during submission from likely pathogenic to Likely pathogenic.

Literature cited by the submitters: PubMed 16199547 (cited by Labcorp Genetics (formerly Invitae), Labcorp); PubMed 15661032 (cited by Labcorp Genetics (formerly Invitae), Labcorp); PubMed 16862044 (cited by Labcorp Genetics (formerly Invitae), Labcorp); PubMed 19419768 (cited by Labcorp Genetics (formerly Invitae), Labcorp).